The following is an entry in ClinVar:

ClinVar aggregate classification (germline): Likely benign. Review status: criteria provided, multiple submitters, no conflicts (2 of 4 stars). 2 submissions from 2 submitters: Likely benign (2). Last evaluated 2025-12-03.

Allele frequency attached by ClinVar (database versions not stated): gnomAD exomes 0.00003 and 0.00008; TOPMed 0.00005; ExAC 0.00009.
gnomAD v4.1: 19 of 1,614,110 alleles (0.0012%); highest among the groups gnomAD compares: Admixed American, 0.032%; no homozygotes.

Submissions (2):

Labcorp Genetics (formerly Invitae), Labcorp
Classification: Likely benign. Last evaluated: 2025-12-03. Review status: criteria provided, single submitter. Criteria: Invitae Variant Classification Sherloc (09022015). Collection method: clinical testing. Allele origin: germline.

Mayo Clinic Laboratories, Mayo Clinic
Classification: Likely benign. Last evaluated: 2025-08-01. Review status: criteria provided, single submitter. Criteria: ACMG Guidelines, 2015. Collection method: clinical testing. Allele origin: germline. Observed: 1 variant allele.
Comment: BP4, BP7

NM_021830.5(TWNK):c.1599A>C (p.Ala533=)

Gene: TWNK (twinkle mtDNA helicase; plus strand). Cytogenetic location: 10q24.31.
Variant type: single nucleotide variant.
Coding change: c.1599A>C on transcript NM_021830.5 (MANE Select); coding-DNA position 1599, A replaced by C.
Protein change: p.Ala533=; no amino-acid change (alanine 533 retained).
Molecular consequence: synonymous variant. On other transcripts: non-coding transcript variant (5).
Genome position (GRCh38, 1-based): chr10:100,990,875, A>C. VCF-style: chr10-100990875-A-C. GRCh37 (hg19) VCF-style: chr10-102750632-A-C.
Other names: p.Ala533=; c.1599A>C, p.Ala533= (NM_001163812.2); c.237A>C, p.Ala79= (NM_001163813.2, NM_001163814.2, NM_001368275.1).
Identifiers: ClinVar variation 736328 (VCV000736328.8), dbSNP rs766599091, ClinGen allele CA5653293.